The following is an entry in ClinVar:

NM_002427.4(MMP13):c.1292T>C (p.Val431Ala)

Gene: MMP13 (matrix metallopeptidase 13; minus strand). Cytogenetic location: 11q22.2.
Variant type: single nucleotide variant.
Coding change: c.1292T>C on transcript NM_002427.4 (MANE Select); coding-DNA position 1292, T replaced by C.
Protein change: p.Val431Ala; replaces valine 431 with alanine.
Molecular consequence: missense variant.
Genome position (GRCh38, 1-based): chr11:102,945,669, A>G on the plus strand (T>C on the coding strand, the complement: MMP13 is on the minus strand). VCF-style: chr11-102945669-A-G. GRCh37 (hg19) VCF-style: chr11-102816398-A-G.
Other names: short protein forms V431A.
Identifiers: ClinVar variation 2977608 (VCV002977608.3), dbSNP rs782474625, ClinGen allele CA6251723.

ClinVar aggregate classification (germline): Uncertain significance (1 of 4 stars; one submission).

Allele frequency attached by ClinVar (database versions not stated): TOPMed below 0.00001; gnomAD 0.00001; ExAC 0.00002; gnomAD exomes 0.00006.
gnomAD v4.1: 87 of 1,599,272 alleles (0.0054%); highest among the groups gnomAD compares: Non-Finnish European, 0.0074%; no homozygotes.

Submission:

Labcorp Genetics (formerly Invitae), Labcorp
Classification: Uncertain significance. Last evaluated: 2024-03-19. Review status: criteria provided, single submitter. Criteria: Invitae Variant Classification Sherloc (09022015). Collection method: clinical testing. Allele origin: germline.
Comment: This sequence change replaces valine, which is neutral and non-polar, with alanine, which is neutral and non-polar, at codon 431 of the MMP13 protein (p.Val431Ala). This variant is present in population databases (rs782474625, gnomAD 0.004%). This variant has not been reported in the literature in individuals affected with MMP13-related conditions. Advanced modeling of protein sequence and biophysical properties (such as structural, functional, and spatial information, amino acid conservation, physicochemical variation, residue mobility, and thermodynamic stability) has been performed at Invitae for this missense variant, however the output from this modeling did not meet the statistical confidence thresholds required to predict the impact of this variant on MMP13 protein function. In summary, the available evidence is currently insufficient to determine the role of this variant in disease. Therefore, it has been classified as a Variant of Uncertain Significance.